The following is an entry in ClinVar:

NM_016580.4(PCDH12):c.1349T>C (p.Ile450Thr)

Genes: RNF14 (ring finger protein 14; plus strand), PCDH12 (protocadherin 12; minus strand). Cytogenetic location: 5q31.3.
Variant type: single nucleotide variant.
Coding change: c.1349T>C on transcript NM_016580.4 (MANE Select); coding-DNA position 1349, T replaced by C.
Protein change: p.Ile450Thr; replaces isoleucine 450 with threonine.
Molecular consequence: missense variant.
Genome position (GRCh38, 1-based): chr5:141,956,503, A>G on the plus strand (T>C on the coding strand, the complement: PCDH12 is on the minus strand). VCF-style: chr5-141956503-A-G. GRCh37 (hg19) VCF-style: chr5-141336068-A-G.
Other names: c.1349T>C (NM_016580.2); short protein forms I450T.
Identifiers: ClinVar variation 2169462 (VCV002169462.5), dbSNP rs746341252, ClinGen allele CA3484419.
Genomic context (GRCh38, chr5:141,956,503, plus strand): 5'-CGCGTGGAGACTTCATACCTGCTTTTCTCAAACACAGGTGCATTGTCGTTGATGTCACTG[A>G]TCTGAATGCTGAGCTGTTTCTTGGCTGATAAGGGCTGGAGTCCTTGGTCTTGGGCTAACA-3'
Protein context (NP_057664.1, residues 440-460): LSAKKQLSIQ[Ile450Thr]SDINDNAPVF

ClinVar aggregate classification (germline): Uncertain significance. Review status: criteria provided, multiple submitters, no conflicts (2 of 4 stars). 2 submissions from 2 submitters: Uncertain significance (2). Last evaluated 2022-05-15.

Conditions:
Inborn genetic diseases. Identifiers: MedGen C0950123, MeSH D030342.

Allele frequency attached by ClinVar (database versions not stated): gnomAD 0.00001; TOPMed 0.00001; gnomAD exomes 0.00002; ExAC 0.00008.
gnomAD v4.1: 28 of 1,614,048 alleles (0.0017%); highest among the groups gnomAD compares: South Asian, 0.023%; no homozygotes.

Submissions (2):

Labcorp Genetics (formerly Invitae), Labcorp
Classification: Uncertain significance. Last evaluated: 2022-05-15. Review status: criteria provided, single submitter. Criteria: Invitae Variant Classification Sherloc (09022015). Collection method: clinical testing. Allele origin: germline.
Comment: In summary, the available evidence is currently insufficient to determine the role of this variant in disease. Therefore, it has been classified as a Variant of Uncertain Significance. Advanced modeling of protein sequence and biophysical properties (such as structural, functional, and spatial information, amino acid conservation, physicochemical variation, residue mobility, and thermodynamic stability) performed at Invitae indicates that this missense variant is not expected to disrupt PCDH12 protein function. This variant has not been reported in the literature in individuals affected with PCDH12-related conditions. This variant is present in population databases (rs746341252, gnomAD 0.03%). This sequence change replaces isoleucine, which is neutral and non-polar, with threonine, which is neutral and polar, at codon 450 of the PCDH12 protein (p.Ile450Thr).

Ambry Genetics
Classification: Uncertain significance for Inborn genetic diseases. Last evaluated: 2021-07-20. Review status: criteria provided, single submitter. Criteria: Ambry Variant Classification Scheme 2023. Collection method: clinical testing. Allele origin: germline.